The following is an entry in ClinVar:

NM_024529.5(CDC73):c.907+5G>A

Gene: CDC73 (cell division cycle 73; plus strand). Cytogenetic location: 1q31.2.
Variant type: single nucleotide variant.
Coding change: c.907+5G>A on transcript NM_024529.5 (MANE Select); 5 bases into the intron after coding-DNA position 907, G replaced by A.
Molecular consequence: intron variant.
Genome position (GRCh38, 1-based): chr1:193,150,387, G>A. VCF-style: chr1-193150387-G-A. GRCh37 (hg19) VCF-style: chr1-193119517-G-A.
Identifiers: ClinVar variation 3655093 (VCV003655093.2).

ClinVar aggregate classification (germline): Uncertain significance (1 of 4 stars; one submission).

Conditions:
Parathyroid carcinoma (PRTC). Also called: CDC73-Related Parathyroid Carcinoma; Parathyroid gland carcinoma. Identifiers: Orphanet 143, MedGen C0687150, MONDO:0012004, OMIM 608266, HP:0006780.

Submission:

Labcorp Genetics (formerly Invitae), Labcorp
Classification: Uncertain significance for Parathyroid carcinoma. Last evaluated: 2024-05-31. Review status: criteria provided, single submitter. Criteria: Invitae Variant Classification Sherloc (09022015). Collection method: clinical testing. Allele origin: germline.
Comment: This sequence change falls in intron 9 of the CDC73 gene. It does not directly change the encoded amino acid sequence of the CDC73 protein. It affects a nucleotide within the consensus splice site. This variant is not present in population databases (gnomAD no frequency). This variant has not been reported in the literature in individuals affected with CDC73-related conditions. Variants that disrupt the consensus splice site are a relatively common cause of aberrant splicing (PMID: 17576681, 9536098). Algorithms developed to predict the effect of sequence changes on RNA splicing suggest that this variant may disrupt the consensus splice site. In summary, the available evidence is currently insufficient to determine the role of this variant in disease. Therefore, it has been classified as a Variant of Uncertain Significance.

Literature cited by the submitters: PubMed 17576681; PubMed 9536098.